The following is an entry in ClinVar:

NM_003995.4(NPR2):c.1702C>T (p.Leu568Phe)

Gene: NPR2 (natriuretic peptide receptor 2; plus strand). Cytogenetic location: 9p13.3.
Variant type: single nucleotide variant.
Coding change: c.1702C>T on transcript NM_003995.4 (MANE Select); coding-DNA position 1702, C replaced by T.
Protein change: p.Leu568Phe; replaces leucine 568 with phenylalanine.
Molecular consequence: missense variant.
Genome position (GRCh38, 1-based): chr9:35,802,275, C>T. VCF-style: chr9-35802275-C-T. GRCh37 (hg19) VCF-style: chr9-35802272-C-T.
Other names: c.1711C>T, p.Leu571Phe (NM_001378923.1); short protein forms L568F, L571F.
Identifiers: ClinVar variation 3069017 (VCV003069017.2), dbSNP rs1828198186, ClinGen allele CA373374122.

ClinVar aggregate classification (germline): Uncertain significance (1 of 4 stars; one submission).

Allele frequency attached by ClinVar (database versions not stated): TOPMed below 0.00001.

Submission:

Women's Health and Genetics/Laboratory Corporation of America, LabCorp
Classification: Uncertain significance. Last evaluated: 2024-02-15. Review status: criteria provided, single submitter. Criteria: LabCorp Variant Classification Summary - May 2015. Collection method: clinical testing. Allele origin: germline.
Comment: Variant summary: NPR2 c.1702C>T (p.Leu568Phe) results in a non-conservative amino acid change located in the Protein kinase domain (IPR000719) of the encoded protein sequence. Three of five in-silico tools predict a damaging effect of the variant on protein function. The variant was absent in 250234 control chromosomes. The available data on variant occurrences in the general population are insufficient to allow any conclusion about variant significance. To our knowledge, no occurrence of c.1702C>T in individuals affected with NPR2-Related Disorders and no experimental evidence demonstrating its impact on protein function have been reported. No submitters have cited clinical-significance assessments for this variant to ClinVar. Based on the evidence outlined above, the variant was classified as uncertain significance.